The following is an entry in ClinVar:

ClinVar aggregate classification (germline): Uncertain significance (1 of 4 stars; one submission).

Submission:

Ambry Genetics
Classification: Uncertain significance. Last evaluated: 2024-03-06. Review status: criteria provided, single submitter. Criteria: Ambry Variant Classification Scheme 2023. Collection method: clinical testing. Allele origin: germline.
Comment: The p.L1352M variant (also known as c.4054C>A), located in coding exon 17 of the NPAT gene, results from a C to A substitution at nucleotide position 4054. The leucine at codon 1352 is replaced by methionine, an amino acid with highly similar properties. This amino acid position is conserved. In addition, this alteration is predicted to be tolerated by in silico analysis. Since supporting evidence is limited at this time, the clinical significance of this alteration remains unclear.

NM_002519.3(NPAT):c.4054C>A (p.Leu1352Met)

Gene: NPAT (nuclear protein, coactivator of histone transcription; minus strand). Cytogenetic location: 11q22.3.
Variant type: single nucleotide variant.
Coding change: c.4054C>A on transcript NM_002519.3 (MANE Select); coding-DNA position 4054, C replaced by A.
Protein change: p.Leu1352Met; replaces leucine 1352 with methionine.
Molecular consequence: missense variant.
Genome position (GRCh38, 1-based): chr11:108,161,032, G>T on the plus strand (C>A on the coding strand, the complement: NPAT is on the minus strand). VCF-style: chr11-108161032-G-T. GRCh37 (hg19) VCF-style: chr11-108031759-G-T.
Other names: c.4075C>A, p.Leu1359Met (NM_001321307.1); short protein forms L1352M, L1359M.
Identifiers: ClinVar variation 1737400 (VCV001737400.2), dbSNP rs2077842113, ClinGen allele CA382509474.
Genomic context (GRCh38, chr11:108,161,032, plus strand): 5'-TTTTCCGCTTTTTTGTGGTGCTCCTTGAAGATGCTCTAAACTGTTGTGTGTTATCTTTCA[G>T]AGGAGTTGCTGAAGTAGTCCTAGAAATGGCTGCCCTGGAGAGAATCATTAATGTGTGGGC-3'
Protein context (NP_002510.2, residues 1342-1362): AISRTTSATP[Leu1352Met]KDNTQQFRAS